The following is an entry in ClinVar:

ClinVar aggregate classification (germline): Pathogenic (1 of 4 stars; one submission).

Submission:

Labcorp Genetics (formerly Invitae), Labcorp
Classification: Pathogenic. Last evaluated: 2020-06-23. Review status: criteria provided, single submitter. Criteria: Invitae Variant Classification Sherloc (09022015). Collection method: clinical testing. Allele origin: germline.
Comment: For these reasons, this variant has been classified as Pathogenic. This variant disrupts the C-terminus of the COL4A5 protein. Other variant(s) that disrupt this region (p.Arg1677*) have been determined to be pathogenic (PMID: 10094548, 12796257, 19965530, 19728970). This suggests that variants that disrupt this region of the protein are likely to be causative of disease. This variant has been observed in individual(s) with Alport syndrome (Invitae). This variant is not present in population databases (ExAC no frequency). This sequence change results in a premature translational stop signal in the COL4A5 gene (p.Gly1669*). While this is not anticipated to result in nonsense mediated decay, it is expected to disrupt the last 17 amino acids of the COL4A5 protein.

Literature cited by the submitters: PubMed 10094548; PubMed 12796257; PubMed 19965530; PubMed 19728970.

NM_033380.3(COL4A5):c.5023G>T (p.Gly1675Ter)

Gene: COL4A5 (collagen type IV alpha 5 chain; plus strand). Cytogenetic location: Xq22.3.
Variant type: single nucleotide variant.
Coding change: c.5023G>T on transcript NM_033380.3 (MANE Select); coding-DNA position 5023, G replaced by T.
Protein change: p.Gly1675Ter; replaces glycine 1675 with a stop codon.
Molecular consequence: nonsense.
Genome position (GRCh38, 1-based): chrX:108,696,325, G>T. VCF-style: chrX-108696325-G-T. GRCh37 (hg19) VCF-style: chrX-107939555-G-T.
Other names: c.5005G>T, p.Gly1669Ter (NM_000495.5); short protein forms G1669*, G1675*.
Identifiers: ClinVar variation 1070103 (VCV001070103.9), dbSNP rs2148003686, ClinGen allele CA414133092.
Genomic context (GRCh38, chrX:108,696,325, plus strand): 5'-TGGATCTGATTGTCTTATTTCTTATTTCCCAGTAAACCTCAGTCAGAAACGCTGAAAGCA[G>T]GAGACTTGAGGACACGAATTAGCCGATGTCAAGTGTGCATGAAGAGGACATAACATTTTG-3'